The following is an entry in ClinVar:

ClinVar aggregate classification (germline): Pathogenic (1 of 4 stars; one submission).

Allele frequency attached by ClinVar (database versions not stated): gnomAD exomes 0.00001; TOPMed 0.00001.

Submission:

Labcorp Genetics (formerly Invitae), Labcorp
Classification: Pathogenic. Last evaluated: 2025-10-26. Review status: criteria provided, single submitter. Criteria: Invitae Variant Classification Sherloc (09022015). Collection method: clinical testing. Allele origin: germline.
Comment: This sequence change creates a premature translational stop signal (p.Tyr852Serfs*52) in the MTHFD1 gene. It is expected to result in an absent or disrupted protein product. Loss-of-function variants in MTHFD1 are known to be pathogenic (PMID: 21813566, 25633902). This variant is not present in population databases (gnomAD no frequency). This variant has not been reported in the literature in individuals affected with MTHFD1-related conditions. ClinVar contains an entry for this variant (Variation ID: 2738637). For these reasons, this variant has been classified as Pathogenic.

Literature cited by the submitters: PubMed 21813566; PubMed 25633902.

NM_005956.4(MTHFD1):c.2555del (p.Tyr852fs)

Genes: MTHFD1 (methylenetetrahydrofolate dehydrogenase, cyclohydrolase and formyltetrahydrofolate synthetase 1; plus strand), ZBTB25 (zinc finger and BTB domain containing 25; minus strand). Cytogenetic location: 14q23.3.
Variant type: Deletion.
Coding change: c.2555del on transcript NM_005956.4 (MANE Select); coding-DNA position 2555, one base deleted (A; older notation c.2555delA).
Protein change: p.Tyr852fs; shifts the reading frame from tyrosine 852.
Molecular consequence: frameshift variant. On other transcripts: intron variant (1).
Genome position (GRCh38, 1-based): chr14:64,453,851, A deleted. VCF-style (leftmost placement, unchanged base first): chr14-64453850-TA-T. GRCh37 (hg19) VCF-style: chr14-64920568-TA-T.
Other names: c.2555del, p.Tyr852fs (NM_001364837.1); c.174-4213del (NM_001304508.1); short protein forms Y852fs.
Identifiers: ClinVar variation 2738637 (VCV002738637.3), dbSNP rs1326829113, ClinGen allele CA707722011.